The following is an entry in ClinVar:

ClinVar aggregate classification (germline): Pathogenic/Likely pathogenic. Review status: criteria provided, multiple submitters, no conflicts (2 of 4 stars). 4 submissions from 4 submitters: Pathogenic (3); Likely pathogenic (1). Last evaluated 2023-06-23.

Conditions:
Familial cancer of breast. Also called: hereditary breast carcinoma; BREAST CANCER, FAMILIAL; Hereditary breast cancer. Identifiers: Orphanet 227535, MedGen C0346153, MONDO:0016419, OMIM 114480. Disease mechanism: loss of function.
CHEK2-related cancer predisposition (TPDS4). Also called: CHEK2-related cancer susceptibility; TUMOR PREDISPOSITION SYNDROME 4; CANCER PREDISPOSITION SYNDROME, CHEK2-RELATED. Identifiers: Orphanet 524, MedGen C5882668, MONDO:0700271, OMIM 609265.
Familial prostate cancer. Also called: Hereditary Prostate Cancer. Identifiers: MedGen C2931456, MONDO:0700275, OMIM 176807.
Bone osteosarcoma. Also called: Osteosarcoma, somatic. Identifiers: Orphanet 668, MedGen C0585442, MONDO:0002629, OMIM 259500.
Hereditary cancer-predisposing syndrome. Also called: Hereditary neoplastic syndrome; Neoplastic Syndromes, Hereditary; Tumor predisposition; Hereditary Cancer Syndrome. Identifiers: Orphanet 140162, MedGen C0027672, MeSH D009386, MONDO:0015356.

Submissions (4):

Myriad Genetics, Inc.
Classification: Pathogenic for Familial cancer of breast. Last evaluated: 2023-06-23. Review status: criteria provided, single submitter. Criteria: Myriad Autosomal Dominant, Autosomal Recessive and X-Linked Classification Criteria (2023). Collection method: clinical testing. Allele origin: unknown.
Comment: This variant is considered pathogenic. This variant creates a frameshift predicted to result in premature protein truncation.

Labcorp Genetics (formerly Invitae), Labcorp
Classification: Pathogenic for Familial cancer of breast. Last evaluated: 2022-01-26. Review status: criteria provided, single submitter. Criteria: Invitae Variant Classification Sherloc (09022015). Collection method: clinical testing. Allele origin: germline.
Comment: This sequence change creates a premature translational stop signal (p.Glu107Asnfs*3) in the CHEK2 gene. It is expected to result in an absent or disrupted protein product. Loss-of-function variants in CHEK2 are known to be pathogenic (PMID: 21876083, 24713400). This variant is not present in population databases (gnomAD no frequency). This variant has not been reported in the literature in individuals affected with CHEK2-related conditions. For these reasons, this variant has been classified as Pathogenic.

Ambry Genetics
Classification: Pathogenic for Hereditary cancer-predisposing syndrome. Last evaluated: 2021-05-28. Review status: criteria provided, single submitter. Criteria: Ambry Variant Classification Scheme 2023. Collection method: clinical testing. Allele origin: germline.
Comment: The c.315delT pathogenic mutation, located in coding exon 1 of the CHEK2 gene, results from a deletion of one nucleotide at nucleotide position 315, causing a translational frameshift with a predicted alternate stop codon (p.E107Nfs*3). This alteration is expected to result in loss of function by premature protein truncation or nonsense-mediated mRNA decay. As such, this alteration is interpreted as a disease-causing mutation.

Juno Genomics, Hangzhou Juno Genomics, Inc
Classification: Likely pathogenic for CHEK2-related cancer predisposition; Bone osteosarcoma; Familial prostate cancer. Review status: criteria provided, single submitter. Criteria: ACMG Guidelines, 2015. Collection method: clinical testing. Allele origin: germline.
Comment: Null variant in a gene where loss of function (LOF) is a known mechanism of disease.;Absent from controls (or at extremely low frequency if recessive) in Genome Aggregation Database.

Literature cited by the submitters: PubMed 21876083 (cited by Labcorp Genetics (formerly Invitae), Labcorp); PubMed 24713400 (cited by Labcorp Genetics (formerly Invitae), Labcorp).

NM_007194.4(CHEK2):c.315del (p.Glu107fs)

Gene: CHEK2 (checkpoint kinase 2; minus strand). Cytogenetic location: 22q12.1.
Variant type: Deletion.
Coding change: c.315del on transcript NM_007194.4 (MANE Select); coding-DNA position 315, one base deleted (T; older notation c.315delT).
Protein change: p.Glu107fs; shifts the reading frame from glutamic acid 107.
Molecular consequence: frameshift variant.
Genome position (GRCh38, 1-based): chr22:28,734,407, A deleted on the plus strand (T on the coding strand, the reverse complement: CHEK2 is on the minus strand). VCF-style (leftmost placement, unchanged base first): chr22-28734406-GA-G. GRCh37 (hg19) VCF-style: chr22-29130394-GA-G.
Other names: c.315delT, p.Glu107Argfs (NM_001005735.3); c.-463delT (NM_001257387.3); c.315delT, p.Glu107Asnfs (NM_001349956.3, NM_145862.3); short protein forms E107fs.
Identifiers: ClinVar variation 1728284 (VCV001728284.11), dbSNP rs2518126169, ClinGen allele CA2580099379.